The following is an entry in ClinVar:

ClinVar aggregate classification (germline): Uncertain significance (1 of 4 stars; one submission).

Submission:

Labcorp Genetics (formerly Invitae), Labcorp
Classification: Uncertain significance. Last evaluated: 2022-05-11. Review status: criteria provided, single submitter. Criteria: Invitae Variant Classification Sherloc (09022015). Collection method: clinical testing. Allele origin: germline.
Comment: This variant is not present in population databases (gnomAD no frequency). This sequence change replaces histidine, which is basic and polar, with arginine, which is basic and polar, at codon 406 of the TBX15 protein (p.His406Arg). This variant has not been reported in the literature in individuals affected with TBX15-related conditions. In summary, the available evidence is currently insufficient to determine the role of this variant in disease. Therefore, it has been classified as a Variant of Uncertain Significance. Algorithms developed to predict the effect of missense changes on protein structure and function are either unavailable or do not agree on the potential impact of this missense change (SIFT: "Deleterious"; PolyPhen-2: "Probably Damaging"; Align-GVGD: "Class C0").

NM_001330677.2(TBX15):c.1535A>G (p.His512Arg)

Gene: TBX15 (T-box transcription factor 15; minus strand). Cytogenetic location: 1p12.
Variant type: single nucleotide variant.
Coding change: c.1535A>G on transcript NM_001330677.2 (MANE Select); coding-DNA position 1535, A replaced by G.
Protein change: p.His512Arg; replaces histidine 512 with arginine.
Molecular consequence: missense variant.
Genome position (GRCh38, 1-based): chr1:118,885,006, T>C on the plus strand (A>G on the coding strand, the complement: TBX15 is on the minus strand). VCF-style: chr1-118885006-T-C. GRCh37 (hg19) VCF-style: chr1-119427629-T-C.
Other names: c.1217A>G, p.His406Arg (NM_152380.3); short protein forms H406R, H512R.
Identifiers: ClinVar variation 1993123 (VCV001993123.4), dbSNP rs2525940518, ClinGen allele CA341432307.
Genomic context (GRCh38, chr1:118,885,006, plus strand): 5'-GGGCTTGCAGCTAGCCTAGGGGAAGTGGGGAAATTGTATCCATACAGGTTGTAAGGGTTG[T>C]GAAGGGAGAAGGCATTGTAGGAGCTCTGCTGCATGTGGCTGCCCCCGAACATGTGTGGTG-3'
Protein context (NP_001317606.1, residues 502-522): QQSSYNAFSL[His512Arg]NPYNLYGYNF